The following is an entry in ClinVar:

ClinVar aggregate classification (germline): Benign/Likely benign. Review status: criteria provided, multiple submitters, no conflicts (2 of 4 stars). 4 submissions from 4 submitters: Benign (1); Likely benign (3). Last evaluated 2025-12-28.

Conditions:
Hereditary cancer-predisposing syndrome. Also called: Hereditary neoplastic syndrome; Tumor predisposition; Neoplastic Syndromes, Hereditary; Hereditary Cancer Syndrome. Identifiers: Orphanet 140162, MedGen C0027672, MeSH D009386, MONDO:0015356.
Hereditary diffuse gastric adenocarcinoma (HDGC). Also called: DIFFUSE GASTRIC AND LOBULAR BREAST CANCER SYNDROME. Identifiers: Orphanet 26106, MedGen C1708349, MONDO:0007648, OMIM 137215.

Submissions (4):

Labcorp Genetics (formerly Invitae), Labcorp
Classification: Likely benign for Hereditary diffuse gastric adenocarcinoma. Last evaluated: 2025-12-28. Review status: criteria provided, single submitter. Criteria: Invitae Variant Classification Sherloc (09022015). Collection method: clinical testing. Allele origin: germline.

Myriad Genetics, Inc.
Classification: Benign for Hereditary diffuse gastric adenocarcinoma. Last evaluated: 2024-09-24. Review status: criteria provided, single submitter. Criteria: Myriad Autosomal Dominant, Autosomal Recessive and X-Linked Classification Criteria (2023). Collection method: clinical testing. Allele origin: unknown.
Comment: This variant is considered benign. This variant is a silent/synonymous amino acid change and it is not expected to impact splicing.

GeneDx
Classification: Likely benign. Last evaluated: 2017-10-09. Review status: criteria provided, single submitter. Criteria: GeneDx Variant Classification (06012015). Collection method: clinical testing. Allele origin: germline. Affected: yes.
Comment: This variant is considered likely benign or benign based on one or more of the following criteria: it is a conservative change, it occurs at a poorly conserved position in the protein, it is predicted to be benign by multiple in silico algorithms, and/or has population frequency not consistent with disease.

Ambry Genetics
Classification: Likely benign for Hereditary cancer-predisposing syndrome. Last evaluated: 2017-08-30. Review status: criteria provided, single submitter. Criteria: Ambry Variant Classification Scheme 2023. Collection method: clinical testing. Allele origin: germline.

NM_004360.5(CDH1):c.2550C>G (p.Ser850=)

Gene: CDH1 (cadherin 1; plus strand). Cytogenetic location: 16q22.1.
Variant type: single nucleotide variant.
Coding change: c.2550C>G on transcript NM_004360.5 (MANE Select); coding-DNA position 2550, C replaced by G.
Protein change: p.Ser850=; no amino-acid change (serine 850 retained).
Molecular consequence: synonymous variant.
Genome position (GRCh38, 1-based): chr16:68,833,400, C>G. VCF-style: chr16-68833400-C-G. GRCh37 (hg19) VCF-style: chr16-68867303-C-G.
Other names: c.2550C>G (LRG_301t1); c.2367C>G, p.Ser789= (NM_001317184.2); c.1002C>G, p.Ser334= (NM_001317185.2); c.585C>G, p.Ser195= (NM_001317186.2).
Identifiers: ClinVar variation 382250 (VCV000382250.16), dbSNP rs1057521295, ClinGen allele CA16607373.
Genomic context (GRCh38, chr16:68,833,400, plus strand): 5'-GCTCGTGTTTGACTATGAAGGAAGCGGTTCCGAAGCTGCTAGTCTGAGCTCCCTGAACTC[C>G]TCAGAGTCAGACAAAGACCAGGACTATGACTACTTGAACGAATGGGGCAATCGCTTCAAG-3'
Protein context (NP_004351.1, residues 840-860): SEAASLSSLN[Ser850=]SESDKDQDYD